The following is an entry in ClinVar:

ClinVar aggregate classification (germline): Uncertain significance. Review status: criteria provided, multiple submitters, no conflicts (2 of 4 stars). 3 submissions from 3 submitters: Uncertain significance (2). 1 of the submissions does not count toward it. Last evaluated 2024-06-26.

Conditions:
Deficiency of butyryl-CoA dehydrogenase (ACADSD). Also called: ACADS DEFICIENCY; SCAD DEFICIENCY, MILD; ACYL-CoA DEHYDROGENASE, SHORT-CHAIN, DEFICIENCY OF; SCADH DEFICIENCY; Short-Chain Acyl-CoA Dehydrogenase Deficiency; SCAD Deficiency. Identifiers: Orphanet 26792, MedGen C0342783, MONDO:0008722, OMIM 201470. Disease mechanism: May be benign.

Allele frequency attached by ClinVar (database versions not stated): gnomAD exomes below 0.00001; TOPMed 0.00001; gnomAD 0.00003.
gnomAD v4.1: 6 of 1,612,914 alleles (0.00037%); highest among the groups gnomAD compares: African/African-American, 0.0053%; no homozygotes.

Submissions (3):

Labcorp Genetics (formerly Invitae), Labcorp
Classification: Uncertain significance for Deficiency of butyryl-CoA dehydrogenase. Last evaluated: 2024-06-26. Review status: criteria provided, single submitter. Criteria: Invitae Variant Classification Sherloc (09022015). Collection method: clinical testing. Allele origin: germline.
Comment: This sequence change replaces serine, which is neutral and polar, with proline, which is neutral and non-polar, at codon 353 of the ACADS protein (p.Ser353Pro). The frequency data for this variant in the population databases is considered unreliable, as metrics indicate poor data quality at this position in the gnomAD database. This missense change has been observed in individual(s) with short-chain acyl-coenzyme A dehydrogenase deficiency (PMID: 22424739). ClinVar contains an entry for this variant (Variation ID: 203559). Advanced modeling of protein sequence and biophysical properties (such as structural, functional, and spatial information, amino acid conservation, physicochemical variation, residue mobility, and thermodynamic stability) performed at Invitae indicates that this missense variant is expected to disrupt ACADS protein function with a positive predictive value of 95%. This variant disrupts the p.Ser353 amino acid residue in ACADS. Other variant(s) that disrupt this residue have been determined to be pathogenic (PMID: 11134486, 18523805; Invitae). This suggests that this residue is clinically significant, and that variants that disrupt this residue are likely to be disease-causing. In summary, the available evidence is currently insufficient to determine the role of this variant in disease. Therefore, it has been classified as a Variant of Uncertain Significance.

Genome-Nilou Lab
Classification: Uncertain significance for Deficiency of butyryl-CoA dehydrogenase. Last evaluated: 2021-11-07. Review status: criteria provided, single submitter. Criteria: ACMG Guidelines, 2015. Collection method: clinical testing. Allele origin: germline. Affected: no.

Counsyl
Classification: Uncertain significance for Deficiency of butyryl-CoA dehydrogenase. Last evaluated: 2018-03-09. Review status: no assertion criteria provided. Collection method: clinical testing. Allele origin: unknown. Not counted in ClinVar's aggregate classification.

Literature cited by the submitters: PubMed 22424739 (cited by Labcorp Genetics (formerly Invitae), Labcorp and Counsyl); PubMed 11134486 (cited by Labcorp Genetics (formerly Invitae), Labcorp); PubMed 18523805 (cited by Labcorp Genetics (formerly Invitae), Labcorp).

NM_000017.4(ACADS):c.1057T>C (p.Ser353Pro)

Gene: ACADS (acyl-CoA dehydrogenase short chain; plus strand). Cytogenetic location: 12q24.31.
Variant type: single nucleotide variant.
Coding change: c.1057T>C on transcript NM_000017.4 (MANE Select); coding-DNA position 1057, T replaced by C.
Protein change: p.Ser353Pro; replaces serine 353 with proline.
Molecular consequence: missense variant.
Genome position (GRCh38, 1-based): chr12:120,739,167, T>C. VCF-style: chr12-120739167-T-C. GRCh37 (hg19) VCF-style: chr12-121176970-T-C.
Other names: c.1045T>C, p.Ser349Pro (NM_001302554.2); short protein forms S353P, S349P.
Identifiers: ClinVar variation 203559 (VCV000203559.13), dbSNP rs796051904, ClinGen allele CA312226.